The following is an entry in ClinVar:

ClinVar aggregate classification (germline): Uncertain significance. Review status: criteria provided, multiple submitters, no conflicts (2 of 4 stars). 3 submissions from 3 submitters: Uncertain significance (3). Last evaluated 2025-11-26.

Conditions:
Inborn genetic diseases. Identifiers: MedGen C0950123, MeSH D030342.

Allele frequency attached by ClinVar (database versions not stated): gnomAD 0.00005; 1000 Genomes Project 30x 0.00016; ExAC 0.00001; TOPMed 0.00003; 1000 Genomes Project 0.00020.
gnomAD v4.1: 107 of 1,614,052 alleles (0.0066%); highest among the groups gnomAD compares: Non-Finnish European, 0.0081%; no homozygotes.

Submissions (3):

Ambry Genetics
Classification: Uncertain significance for Inborn genetic diseases. Last evaluated: 2025-11-26. Review status: criteria provided, single submitter. Criteria: Ambry Variant Classification Scheme 2023. Collection method: clinical testing. Allele origin: germline.

Mayo Clinic Laboratories, Mayo Clinic
Classification: Uncertain significance. Last evaluated: 2024-07-16. Review status: criteria provided, single submitter. Criteria: ACMG Guidelines, 2015. Collection method: clinical testing. Allele origin: germline. Observed: 1 variant allele.
Comment: BP4, PM2

Labcorp Genetics (formerly Invitae), Labcorp
Classification: Uncertain significance. Last evaluated: 2022-02-06. Review status: criteria provided, single submitter. Criteria: Invitae Variant Classification Sherloc (09022015). Collection method: clinical testing. Allele origin: germline.
Comment: This sequence change replaces arginine, which is basic and polar, with histidine, which is basic and polar, at codon 571 of the FLAD1 protein (p.Arg571His). This variant is present in population databases (rs201824694, gnomAD 0.004%). This variant has not been reported in the literature in individuals affected with FLAD1-related conditions. Algorithms developed to predict the effect of missense changes on protein structure and function output the following: SIFT: "Tolerated"; PolyPhen-2: "Benign"; Align-GVGD: "Class C0". The histidine amino acid residue is found in multiple mammalian species, which suggests that this missense change does not adversely affect protein function. In summary, the available evidence is currently insufficient to determine the role of this variant in disease. Therefore, it has been classified as a Variant of Uncertain Significance.

NM_025207.5(FLAD1):c.1712G>A (p.Arg571His)

Gene: FLAD1 (flavin adenine dinucleotide synthetase 1; plus strand). Cytogenetic location: 1q21.3.
Variant type: single nucleotide variant.
Coding change: c.1712G>A on transcript NM_025207.5 (MANE Select); coding-DNA position 1712, G replaced by A.
Protein change: p.Arg571His; replaces arginine 571 with histidine.
Molecular consequence: missense variant. On other transcripts: 3 prime UTR variant (1).
Genome position (GRCh38, 1-based): chr1:154,992,985, G>A. VCF-style: chr1-154992985-G-A. GRCh37 (hg19) VCF-style: chr1-154965461-G-A.
Other names: p.Arg571His; c.*195G>A (NM_001184891.2); c.1421G>A, p.Arg474His (NM_201398.3); c.1712G>A (NM_025207.4); short protein forms R474H, R571H.
Identifiers: ClinVar variation 2178876 (VCV002178876.4), dbSNP rs201824694, ClinGen allele CA1134666.